The following is an entry in ClinVar:

ClinVar aggregate classification (germline): Uncertain significance (1 of 4 stars; one submission).

Submission:

Labcorp Genetics (formerly Invitae), Labcorp
Classification: Uncertain significance. Last evaluated: 2022-01-24. Review status: criteria provided, single submitter. Criteria: Invitae Variant Classification Sherloc (09022015). Collection method: clinical testing. Allele origin: germline.
Comment: This variant results in a copy number gain of the genomic region encompassing exon(s) 20-25 of the PTPN23 gene. This region includes the termination codon of the gene. This copy number gain extends beyond the assayed region for this gene and therefore may encompass additional genes. As the precise location of this event is unknown, it may be in tandem or it may be located elsewhere in the genome. This variant has not been reported in the literature in individuals affected with PTPN23-related conditions. Experimental studies and prediction algorithms are not available or were not evaluated, and the functional significance of this variant is currently unknown. In summary, the available evidence is currently insufficient to determine the role of this variant in disease. Therefore, it has been classified as a Variant of Uncertain Significance.

NC_000003.11:g.(?_47451398)_(47454675_?)dup

Gene: PTPN23 (protein tyrosine phosphatase non-receptor type 23; plus strand). Cytogenetic location: 3p21.31.
Variant type: Duplication.
Identifiers: ClinVar variation 2426157 (VCV002426157.3).